The following is an entry in ClinVar:

NM_199420.4(POLQ):c.620T>C (p.Met207Thr)

Gene: POLQ (DNA polymerase theta; minus strand). Cytogenetic location: 3q13.33.
Variant type: single nucleotide variant.
Coding change: c.620T>C on transcript NM_199420.4 (MANE Select); coding-DNA position 620, T replaced by C.
Protein change: p.Met207Thr; replaces methionine 207 with threonine.
Molecular consequence: missense variant.
Genome position (GRCh38, 1-based): chr3:121,539,444, A>G on the plus strand (T>C on the coding strand, the complement: POLQ is on the minus strand). VCF-style: chr3-121539444-A-G. GRCh37 (hg19) VCF-style: chr3-121258291-A-G.
Other names: short protein forms M207T.
Identifiers: ClinVar variation 3422502 (VCV003422502.1).

ClinVar aggregate classification (germline): Uncertain significance (1 of 4 stars; one submission).

Submission:

Ambry Genetics
Classification: Uncertain significance. Last evaluated: 2024-08-19. Review status: criteria provided, single submitter. Criteria: Ambry Variant Classification Scheme 2023. Collection method: clinical testing. Allele origin: germline.
Comment: The p.M207T variant (also known as c.620T>C), located in coding exon 4 of the POLQ gene, results from a T to C substitution at nucleotide position 620. The methionine at codon 207 is replaced by threonine, an amino acid with similar properties. This amino acid position is conserved. In addition, the in silico prediction for this alteration is inconclusive. Based on the available evidence, the clinical significance of this variant remains unclear.